The following is an entry in ClinVar:

NM_012123.4(MTO1):c.1451G>A (p.Arg484Gln)

Gene: MTO1 (mitochondrial tRNA translation optimization 1; plus strand). Cytogenetic location: 6q13.
Variant type: single nucleotide variant.
Coding change: c.1451G>A on transcript NM_012123.4 (MANE Select); coding-DNA position 1451, G replaced by A.
Protein change: p.Arg484Gln; replaces arginine 484 with glutamine.
Molecular consequence: missense variant.
Genome position (GRCh38, 1-based): chr6:73,482,230, G>A. VCF-style: chr6-73482230-G-A. GRCh37 (hg19) VCF-style: chr6-74191953-G-A.
Other names: c.1571G>A, p.Arg524Gln (NM_001123226.2); c.1526G>A, p.Arg509Gln (NM_133645.3); short protein forms R484Q, R524Q, R509Q.
Identifiers: ClinVar variation 2196399 (VCV002196399.4), dbSNP rs1463453464, ClinGen allele CA364717280.

ClinVar aggregate classification (germline): Pathogenic (1 of 4 stars; one submission).

Conditions:
Mitochondrial hypertrophic cardiomyopathy with lactic acidosis due to MTO1 deficiency. Also called: CARDIOMYOPATHY, INFANTILE HYPERTROPHIC MITOCHONDRIAL, AND LACTIC ACIDOSIS; Combined oxidative phosphorylation deficiency 10. Identifiers: Orphanet 314637, MedGen C4749921, MONDO:0013865, OMIM 614702.

Allele frequency attached by ClinVar (database versions not stated): gnomAD exomes below 0.00001; TOPMed below 0.00001; gnomAD 0.00001.
gnomAD v4.1: 8 of 1,613,928 alleles (0.0005%); highest among the groups gnomAD compares: African/African-American, 0.0027%; no homozygotes.

Submission:

Labcorp Genetics (formerly Invitae), Labcorp
Classification: Pathogenic for Mitochondrial hypertrophic cardiomyopathy with lactic acidosis due to MTO1 deficiency. Last evaluated: 2025-09-02. Review status: criteria provided, single submitter. Criteria: Invitae Variant Classification Sherloc (09022015). Collection method: clinical testing. Allele origin: germline.
Comment: This sequence change replaces arginine, which is basic and polar, with glutamine, which is neutral and polar, at codon 484 of the MTO1 protein (p.Arg484Gln). This variant is present in population databases (no rsID available, gnomAD 0.01%). This missense change has been observed in individual(s) with clinical features of combined oxidative phosphorylation deficiency (PMID: 29331171). It has also been observed to segregate with disease in related individuals. ClinVar contains an entry for this variant (Variation ID: 2196399). Invitae Evidence Modeling of protein sequence and biophysical properties (such as structural, functional, and spatial information, amino acid conservation, physicochemical variation, residue mobility, and thermodynamic stability) indicates that this missense variant is expected to disrupt MTO1 protein function with a positive predictive value of 95%. This variant disrupts the p.Arg484 amino acid residue in MTO1. Other variant(s) that disrupt this residue have been determined to be pathogenic (PMID: 29331171, 31451716, 31842146). This suggests that this residue is clinically significant, and that variants that disrupt this residue are likely to be disease-causing. For these reasons, this variant has been classified as Pathogenic.

Literature cited by the submitters: PubMed 29331171; PubMed 31451716; PubMed 31842146.